The following is an entry in ClinVar:

NM_000169.3(GLA):c.881T>G (p.Leu294Ter)

Genes: GLA (galactosidase alpha; minus strand), RPL36A-HNRNPH2 (RPL36A-HNRNPH2 readthrough; plus strand). Cytogenetic location: Xq22.1.
Variant type: single nucleotide variant.
Coding change: c.881T>G on transcript NM_000169.3 (MANE Select); coding-DNA position 881, T replaced by G.
Protein change: p.Leu294Ter; replaces leucine 294 with a stop codon.
Molecular consequence: nonsense. On other transcripts: non-coding transcript variant (3), intron variant (2).
Genome position (GRCh38, 1-based): chrX:101,398,488, A>C on the plus strand (T>G on the coding strand, the complement: GLA is on the minus strand). VCF-style: chrX-101398488-A-C. GRCh37 (hg19) VCF-style: chrX-100653476-A-C.
Other names: c.1004T>G, p.Leu335Ter (NM_001406747.1); c.881T>G, p.Leu294Ter (NM_001406748.1); c.300+3031A>C (NM_001199973.2); c.177+6666A>C (NM_001199974.2); short protein forms L294*, L335*.
Identifiers: ClinVar variation 4087182 (VCV004087182.2).

ClinVar aggregate classification (germline): Pathogenic (1 of 4 stars; one submission).

Conditions:
Fabry disease. Also called: ALPHA-GALACTOSIDASE A DEFICIENCY; ANDERSON-FABRY DISEASE; CERAMIDE TRIHEXOSIDASE DEFICIENCY; GLA DEFICIENCY; HEREDITARY DYSTOPIC LIPIDOSIS; Angiokeratoma corporis diffusum. Identifiers: Orphanet 324, MedGen C0002986, MONDO:0010526, OMIM 301500, HP:0001071. Disease mechanism: Fabry disease is due to inactivating mutations in the X-linked GLA gene resulting in deficiency of the enzyme Alpha Galactosidase-A., loss of function.

Submission:

Genomenon, Inc
Classification: Pathogenic for Fabry disease. Last evaluated: 2026-09-08. Review status: criteria provided, single submitter. Criteria: Genomenon Sequence Variant Interpretation Standards - Updated. Collection method: curation. Allele origin: germline. Affected: yes.
Comment: GLA p.Leu294Ter (c.881T>G) is a nonsense variant that introduces a premature stop codon at amino acid position 294 and is predicted to result in a truncated or absent protein product. This variant has been observed in at least one proband with clinical features consistent with Fabry disease (PMID:29548035;36087038;11668641;17619837;18651238;20628902;20954982;15806320;35338595). Functional or patient cell studies have been reported (PMID:36087038;39704415;35338595;20628902;18651238;20954982). It is absent or not present at a significant frequency in gnomAD. In conclusion, we classify GLA p.Leu294Ter (c.881T>G) as a pathogenic variant.

Literature cited by the submitters: PubMed 29548035; PubMed 36087038; PubMed 11668641; PubMed 17619837; PubMed 18651238; PubMed 20628902; PubMed 20954982; PubMed 15806320; PubMed 35338595; PubMed 39704415.